The following is an entry in ClinVar:

ClinVar aggregate classification (germline): Uncertain significance (1 of 4 stars; one submission).

Conditions:
Peroxisome biogenesis disorder 12A (Zellweger). Also called: Peroxisome biogenesis disorder 12A. Identifiers: Orphanet 912, MedGen C3554002, MONDO:0013951, OMIM 614886.

Allele frequency attached by ClinVar (database versions not stated): TOPMed 0.00003; ESP Exome Variant Server 0.00008.

Submission:

Labcorp Genetics (formerly Invitae), Labcorp
Classification: Uncertain significance for Peroxisome biogenesis disorder 12A (Zellweger). Last evaluated: 2025-03-31. Review status: criteria provided, single submitter. Criteria: Invitae Variant Classification Sherloc (09022015). Collection method: clinical testing. Allele origin: germline.
Comment: This sequence change replaces arginine, which is basic and polar, with glycine, which is neutral and non-polar, at codon 207 of the PEX19 protein (p.Arg207Gly). This variant is present in population databases (rs367813991, gnomAD 0.006%). This variant has not been reported in the literature in individuals affected with PEX19-related conditions. ClinVar contains an entry for this variant (Variation ID: 1014701). Invitae Evidence Modeling of protein sequence and biophysical properties (such as structural, functional, and spatial information, amino acid conservation, physicochemical variation, residue mobility, and thermodynamic stability) indicates that this missense variant is not expected to disrupt PEX19 protein function with a negative predictive value of 80%. In summary, the available evidence is currently insufficient to determine the role of this variant in disease. Therefore, it has been classified as a Variant of Uncertain Significance.

NM_002857.4(PEX19):c.619C>G (p.Arg207Gly)

Gene: PEX19 (peroxisomal biogenesis factor 19; minus strand). Cytogenetic location: 1q23.2.
Variant type: single nucleotide variant.
Coding change: c.619C>G on transcript NM_002857.4 (MANE Select); coding-DNA position 619, C replaced by G.
Protein change: p.Arg207Gly; replaces arginine 207 with glycine.
Molecular consequence: missense variant. On other transcripts: non-coding transcript variant (2).
Genome position (GRCh38, 1-based): chr1:160,280,222, G>C on the plus strand (C>G on the coding strand, the complement: PEX19 is on the minus strand). VCF-style: chr1-160280222-G-C. GRCh37 (hg19) VCF-style: chr1-160250012-G-C.
Other names: c.619C>G, p.Arg207Gly (NM_001193644.1); short protein forms R207G.
Identifiers: ClinVar variation 1014701 (VCV001014701.5), dbSNP rs367813991, ClinGen allele CA1197291.